The following is an entry in ClinVar:

NM_003579.4(RAD54L):c.301A>C (p.Lys101Gln)

Gene: RAD54L (RAD54 like; plus strand). Cytogenetic location: 1p34.1.
Variant type: single nucleotide variant.
Coding change: c.301A>C on transcript NM_003579.4 (MANE Select); coding-DNA position 301, A replaced by C.
Protein change: p.Lys101Gln; replaces lysine 101 with glutamine.
Molecular consequence: missense variant. On other transcripts: 5 prime UTR variant (1).
Genome position (GRCh38, 1-based): chr1:46,259,993, A>C. VCF-style: chr1-46259993-A-C. GRCh37 (hg19) VCF-style: chr1-46725665-A-C.
Other names: c.301A>C, p.Lys101Gln (NM_001142548.2); c.-240A>C (NM_001370766.1); short protein forms K101Q.
Identifiers: ClinVar variation 1798887 (VCV001798887.3), dbSNP rs570916043, ClinGen allele CA834207.

ClinVar aggregate classification (germline): Uncertain significance (1 of 4 stars; one submission).

Allele frequency attached by ClinVar (database versions not stated): ExAC 0.00001; 1000 Genomes Project 0.00020; 1000 Genomes Project 30x 0.00031.
gnomAD v4.1: 3 of 1,614,090 alleles (0.00019%); highest among the groups gnomAD compares: African/African-American, 0.0027%; no homozygotes.

Submission:

Ambry Genetics
Classification: Uncertain significance. Last evaluated: 2024-06-15. Review status: criteria provided, single submitter. Criteria: Ambry Variant Classification Scheme 2023. Collection method: clinical testing. Allele origin: germline.
Comment: The p.K101Q variant (also known as c.301A>C), located in coding exon 5 of the RAD54L gene, results from an A to C substitution at nucleotide position 301. The lysine at codon 101 is replaced by glutamine, an amino acid with similar properties. This amino acid position is conserved. In addition, this alteration is predicted to be tolerated by in silico analysis. Since supporting evidence is limited at this time, the clinical significance of this alteration remains unclear.